The following is an entry in ClinVar:

NM_024592.5(SRD5A3):c.698-68C>G

Genes: SRD5A3 (steroid 5 alpha-reductase 3; plus strand), SRD5A3-AS1 (SRD5A3 antisense RNA 1; minus strand). Cytogenetic location: 4q12.
Variant type: single nucleotide variant.
Coding change: c.698-68C>G on transcript NM_024592.5 (MANE Select); 68 bases into the intron before coding-DNA position 698, C replaced by G.
Molecular consequence: intron variant.
Genome position (GRCh38, 1-based): chr4:55,369,764, C>G. VCF-style: chr4-55369764-C-G. GRCh37 (hg19) VCF-style: chr4-56235931-C-G.
Identifiers: ClinVar variation 676206 (VCV000676206.2), dbSNP rs819268, ClinGen allele CA15334799.

ClinVar aggregate classification (germline): Benign. Review status: criteria provided, multiple submitters, no conflicts (2 of 4 stars). 2 submissions from 2 submitters: Benign (2). Last evaluated 2018-06-16.

Allele frequency attached by ClinVar (database versions not stated): TOPMed 0.26096; 1000 Genomes Project 0.26717; 1000 Genomes Project 30x 0.26952; gnomAD 0.29196.
gnomAD v4.1: 455,244 of 1,561,734 alleles (29%); highest among the groups gnomAD compares: South Asian, 39%; 67,927 homozygotes.

Submissions (2):

GeneDx
Classification: Benign. Last evaluated: 2018-06-16. Review status: criteria provided, single submitter. Criteria: GeneDx Variant Classification (06012015). Collection method: clinical testing. Allele origin: germline. Affected: yes.
Comment: This variant is considered likely benign or benign based on one or more of the following criteria: it is a conservative change, it occurs at a poorly conserved position in the protein, it is predicted to be benign by multiple in silico algorithms, and/or has population frequency not consistent with disease.

Breakthrough Genomics
Classification: Benign. Review status: criteria provided, single submitter. Criteria: ACMG Guidelines, 2015. Collection method: not provided. Allele origin: germline. Inheritance: Autosomal recessive inheritance. Affected: yes.